The following is an entry in ClinVar:

ClinVar aggregate classification (germline): Uncertain significance. Review status: criteria provided, multiple submitters, no conflicts (2 of 4 stars). 2 submissions from 2 submitters: Uncertain significance (2). Last evaluated 2025-12-11.

Allele frequency attached by ClinVar (database versions not stated): gnomAD exomes below 0.00001.
gnomAD v4.1: 1 of 1,614,208 alleles (0.000062%); highest among the groups gnomAD compares: Non-Finnish European, 0.000085%; no homozygotes.

Submissions (2):

Ambry Genetics
Classification: Uncertain significance. Last evaluated: 2025-12-11. Review status: criteria provided, single submitter. Criteria: Ambry Variant Classification Scheme 2023. Collection method: clinical testing. Allele origin: germline.

Labcorp Genetics (formerly Invitae), Labcorp
Classification: Uncertain significance. Last evaluated: 2023-11-07. Review status: criteria provided, single submitter. Criteria: Invitae Variant Classification Sherloc (09022015). Collection method: clinical testing. Allele origin: germline.
Comment: This sequence change replaces lysine, which is basic and polar, with glutamine, which is neutral and polar, at codon 417 of the DHX32 protein (p.Lys417Gln). This variant is not present in population databases (gnomAD no frequency). This variant has not been reported in the literature in individuals affected with DHX32-related conditions. Algorithms developed to predict the effect of missense changes on protein structure and function output the following: SIFT: "Not Available"; PolyPhen-2: "Benign"; Align-GVGD: "Not Available". The glutamine amino acid residue is found in multiple mammalian species, which suggests that this missense change does not adversely affect protein function. In summary, the available evidence is currently insufficient to determine the role of this variant in disease. Therefore, it has been classified as a Variant of Uncertain Significance.

NM_018180.3(DHX32):c.1249A>C (p.Lys417Gln)

Genes: BCCIP (BRCA2 and CDKN1A interacting protein; plus strand), DHX32 (DEAH-box helicase 32 (putative); minus strand). Cytogenetic location: 10q26.2.
Variant type: single nucleotide variant.
Coding change: c.1249A>C on transcript NM_018180.3 (MANE Select); coding-DNA position 1249, A replaced by C.
Protein change: p.Lys417Gln; replaces lysine 417 with glutamine.
Molecular consequence: missense variant. On other transcripts: intron variant (1).
Genome position (GRCh38, 1-based): chr10:125,852,395, T>G on the plus strand (A>C on the coding strand, the complement: DHX32 is on the minus strand). VCF-style: chr10-125852395-T-G. GRCh37 (hg19) VCF-style: chr10-127540964-T-G.
Other names: c.851-730T>G (NM_016567.4); short protein forms K417Q.
Identifiers: ClinVar variation 2754904 (VCV002754904.3), dbSNP rs2494416449, ClinGen allele CA378675343.